The following is an entry in ClinVar:

ClinVar aggregate classification (germline): Likely benign (0 of 4 stars; one submission).

Conditions:
PIP5K1C-related disorder. Also called: PIP5K1C-related condition.

Allele frequency attached by ClinVar (database versions not stated): ExAC 0.00002; gnomAD exomes 0.00002; ESP Exome Variant Server 0.00008; gnomAD 0.00014; 1000 Genomes Project 30x 0.00016; TOPMed 0.00017; 1000 Genomes Project 0.00020.
gnomAD v4.1: 46 of 1,611,316 alleles (0.0029%); highest among the groups gnomAD compares: African/African-American, 0.04%; no homozygotes.

Submission:

PreventionGenetics, part of Exact Sciences
Classification: Likely benign for PIP5K1C-related condition. Last evaluated: 2019-04-25. Review status: no assertion criteria provided. Collection method: clinical testing. Allele origin: germline.
Comment: This variant is classified as likely benign based on ACMG/AMP sequence variant interpretation guidelines (Richards et al. 2015 PMID: 25741868, with internal and published modifications).

NM_012398.3(PIP5K1C):c.1803G>A (p.Pro601=)

Gene: PIP5K1C (phosphatidylinositol-4-phosphate 5-kinase type 1 gamma; minus strand). Cytogenetic location: 19p13.3.
Variant type: single nucleotide variant.
Coding change: c.1803G>A on transcript NM_012398.3 (MANE Select); coding-DNA position 1803, G replaced by A.
Protein change: p.Pro601=; no amino-acid change (proline 601 retained).
Molecular consequence: synonymous variant.
Genome position (GRCh38, 1-based): chr19:3,639,001, C>T on the plus strand (G>A on the coding strand, the complement: PIP5K1C is on the minus strand). VCF-style: chr19-3639001-C-T. GRCh37 (hg19) VCF-style: chr19-3638999-C-T.
Other names: c.1803G>A, p.Pro601= (NM_001195733.2, NM_001300849.2).
Identifiers: ClinVar variation 3047026 (VCV003047026.2), dbSNP rs146725634, ClinGen allele CA9082049.